The following is an entry in ClinVar:

NM_006648.4(WNK2):c.6478G>C (p.Ala2160Pro)

Gene: WNK2 (WNK lysine deficient protein kinase 2; plus strand). Cytogenetic location: 9q22.31.
Variant type: single nucleotide variant.
Coding change: c.6478G>C on transcript NM_006648.4 (MANE Select); coding-DNA position 6478, G replaced by C.
Protein change: p.Ala2160Pro; replaces alanine 2160 with proline.
Molecular consequence: missense variant.
Genome position (GRCh38, 1-based): chr9:93,308,546, G>C. VCF-style: chr9-93308546-G-C. GRCh37 (hg19) VCF-style: chr9-96070828-G-C.
Other names: c.6589G>C, p.Ala2197Pro (NM_001282394.3); short protein forms A2160P, A2197P.
Identifiers: ClinVar variation 3816889 (VCV003816889.1).

ClinVar aggregate classification (germline): Uncertain significance (1 of 4 stars; one submission).

Submission:

Ambry Genetics
Classification: Uncertain significance. Last evaluated: 2025-01-20. Review status: criteria provided, single submitter. Criteria: Ambry Variant Classification Scheme 2023. Collection method: clinical testing. Allele origin: germline.
Comment: The p.A2160P variant (also known as c.6478G>C), located in coding exon 27 of the WNK2 gene, results from a G to C substitution at nucleotide position 6478. The alanine at codon 2160 is replaced by proline, an amino acid with highly similar properties. This amino acid position is conserved. In addition, this alteration is predicted to be tolerated by in silico analysis. Based on the available evidence, the clinical significance of this variant remains unclear.